The following is an entry in ClinVar:

ClinVar aggregate classification (germline): Uncertain significance (1 of 4 stars; one submission).

gnomAD v4.1: 1 of 1,614,084 alleles (0.000062%); highest among the groups gnomAD compares: African/African-American, 0.0013%; no homozygotes.

Submission:

Labcorp Genetics (formerly Invitae), Labcorp
Classification: Uncertain significance. Last evaluated: 2024-02-14. Review status: criteria provided, single submitter. Criteria: Invitae Variant Classification Sherloc (09022015). Collection method: clinical testing. Allele origin: germline.
Comment: This sequence change replaces tryptophan, which is neutral and slightly polar, with cysteine, which is neutral and slightly polar, at codon 443 of the CSF2RB protein (p.Trp443Cys). This variant is present in population databases (rs776694451, gnomAD 0.007%). This variant has not been reported in the literature in individuals affected with CSF2RB-related conditions. Advanced modeling of protein sequence and biophysical properties (such as structural, functional, and spatial information, amino acid conservation, physicochemical variation, residue mobility, and thermodynamic stability) performed at Invitae indicates that this missense variant is expected to disrupt CSF2RB protein function with a positive predictive value of 80%. In summary, the available evidence is currently insufficient to determine the role of this variant in disease. Therefore, it has been classified as a Variant of Uncertain Significance.

NM_000395.3(CSF2RB):c.1329G>C (p.Trp443Cys)

Gene: CSF2RB (colony stimulating factor 2 receptor subunit beta; plus strand). Cytogenetic location: 22q12.3.
Variant type: single nucleotide variant.
Coding change: c.1329G>C on transcript NM_000395.3 (MANE Select); coding-DNA position 1329, G replaced by C.
Protein change: p.Trp443Cys; replaces tryptophan 443 with cysteine.
Molecular consequence: missense variant.
Genome position (GRCh38, 1-based): chr22:36,935,364, G>C. VCF-style: chr22-36935364-G-C. GRCh37 (hg19) VCF-style: chr22-37331406-G-C.
Other names: c.1347G>C, p.Trp449Cys (NM_001410827.1); short protein forms W443C, W449C.
Identifiers: ClinVar variation 3682627 (VCV003682627.2).